The following is an entry in ClinVar:

ClinVar aggregate classification (germline): Benign (1 of 4 stars; one submission).

Allele frequency attached by ClinVar (database versions not stated): gnomAD exomes 0.20511; 1000 Genomes Project 0.21506; 1000 Genomes Project 30x 0.21846; TOPMed 0.24504; gnomAD 0.24508 and 0.25220.
gnomAD v4.1: 207,466 of 983,666 alleles (21%); highest among the groups gnomAD compares: African/African-American, 33%; 23,748 homozygotes.

Submission:

GeneDx
Classification: Benign. Last evaluated: 2018-06-19. Review status: criteria provided, single submitter. Criteria: GeneDx Variant Classification (06012015). Collection method: clinical testing. Allele origin: germline. Affected: yes.
Comment: This variant is considered likely benign or benign based on one or more of the following criteria: it is a conservative change, it occurs at a poorly conserved position in the protein, it is predicted to be benign by multiple in silico algorithms, and/or has population frequency not consistent with disease.

NM_001958.5(EEF1A2):c.773-142T>C

Gene: EEF1A2 (eukaryotic translation elongation factor 1 alpha 2; minus strand). Cytogenetic location: 20q13.33.
Variant type: single nucleotide variant.
Coding change: c.773-142T>C on transcript NM_001958.5 (MANE Select); 142 bases into the intron before coding-DNA position 773, T replaced by C.
Molecular consequence: intron variant.
Genome position (GRCh38, 1-based): chr20:63,490,877, A>G on the plus strand (T>C on the coding strand, the complement: EEF1A2 is on the minus strand). VCF-style: chr20-63490877-A-G. GRCh37 (hg19) VCF-style: chr20-62122230-A-G.
Identifiers: ClinVar variation 681614 (VCV000681614.1), dbSNP rs310609, ClinGen allele CA14765952.